The following is an entry in ClinVar:

NM_004795.4(KL):c.2683A>G (p.Ile895Val)

Gene: KL (klotho; plus strand). Cytogenetic location: 13q13.1.
Variant type: single nucleotide variant.
Coding change: c.2683A>G on transcript NM_004795.4 (MANE Select); coding-DNA position 2683, A replaced by G.
Protein change: p.Ile895Val; replaces isoleucine 895 with valine.
Molecular consequence: missense variant.
Genome position (GRCh38, 1-based): chr13:33,061,762, A>G. VCF-style: chr13-33061762-A-G. GRCh37 (hg19) VCF-style: chr13-33635899-A-G.
Other names: short protein forms I895V.
Identifiers: ClinVar variation 64546 (VCV000064546.2), dbSNP rs387907443, ClinGen allele CA216377.
Genomic context (GRCh38, chr13:33,061,762, plus strand): 5'-ATCGATGACGGGCTGCATGCTGAGGACGACCAGCTGAGGGTGTATTATATGCAGAATTAC[A>G]TAAACGAAGCTCTCAAAGGTAAGGAGCCCTAGCTGCGGCTATCTCCTGAAGGTTATGTCA-3'
Protein context (NP_004786.2, residues 885-905): QLRVYYMQNY[Ile895Val]NEALKAHILD

ClinVar aggregate classification (germline): Uncertain significance (0 of 4 stars; one submission).

Submission:

Martin Pollak Laboratory,  Beth Israel Deaconess Medical Center
Classification: Uncertain significance. Review status: no assertion criteria provided. Collection method: not provided. Allele origin: unknown.
Comment: Lower UCa2+ group
ClinVar note: Converted during submission from unknown to Uncertain significance.